The following is an entry in ClinVar:

NM_002314.4(LIMK1):c.1926C>T (p.His642=)

Gene: LIMK1 (LIM domain kinase 1; plus strand). Cytogenetic location: 7q11.23.
Variant type: single nucleotide variant.
Coding change: c.1926C>T on transcript NM_002314.4 (MANE Select); coding-DNA position 1926, C replaced by T.
Protein change: p.His642=; no amino-acid change (histidine 642 retained).
Molecular consequence: synonymous variant.
Genome position (GRCh38, 1-based): chr7:74,121,283, C>T. VCF-style: chr7-74121283-C-T. GRCh37 (hg19) VCF-style: chr7-73535613-C-T.
Other names: c.1824C>T, p.His608= (NM_001204426.2).
Identifiers: ClinVar variation 3355125 (VCV003355125.1).

ClinVar aggregate classification (germline): Likely benign (0 of 4 stars; one submission).

Conditions:
LIMK1-related disorder. Also called: LIMK1-related condition.

gnomAD v4.1: 3 of 1,602,186 alleles (0.00019%); highest among the groups gnomAD compares: African/African-American, 0.0027%; no homozygotes.

Submission:

PreventionGenetics, part of Exact Sciences
Classification: Likely benign for LIMK1-related condition. Last evaluated: 2019-10-29. Review status: no assertion criteria provided. Collection method: clinical testing. Allele origin: germline.
Comment: This variant is classified as likely benign based on ACMG/AMP sequence variant interpretation guidelines (Richards et al. 2015 PMID: 25741868, with internal and published modifications).